The following is an entry in ClinVar:

ClinVar aggregate classification (germline): Uncertain significance (1 of 4 stars; one submission).

Submission:

Women's Health and Genetics/Laboratory Corporation of America, LabCorp
Classification: Uncertain significance. Last evaluated: 2025-11-06. Review status: criteria provided, single submitter. Criteria: LabCorp Variant Classification Summary - May 2015. Collection method: clinical testing. Allele origin: germline.
Comment: Variant summary: PTS c.98A>T (p.Asp33Val) results in a non-conservative amino acid change in the encoded protein sequence. Algorithms developed to predict the effect of missense changes on protein structure and function all suggest that this variant is likely to be disruptive. The variant allele was found at a frequency of 4.2e-06 in 240294 control chromosomes. The available data on variant occurrences in the general population are insufficient to allow any conclusion about variant significance. c.98A>T has been observed as a non-informative genotype (zygosity and genotype not specified) in individual(s) affected with psychiatric symptoms of bipolar or schizophrenia spectrum disorders (example, Sriretnakumar_2024). These report(s) do not provide unequivocal conclusions about association of the variant with 6-Pyruvoyl-Tetrahydropterin Synthase Deficiency. To our knowledge, no experimental evidence demonstrating an impact on protein function has been reported. The following publication have been ascertained in the context of this evaluation (PMID: 38532509). No submitters have cited clinical-significance assessments for this variant to ClinVar. Based on the evidence outlined above, the variant was classified as uncertain significance.

Literature cited by the submitters: PubMed 38532509.

NM_000317.3(PTS):c.98A>T (p.Asp33Val)

Gene: PTS (6-pyruvoyltetrahydropterin synthase; plus strand). Cytogenetic location: 11q23.1.
Variant type: single nucleotide variant.
Coding change: c.98A>T on transcript NM_000317.3 (MANE Select); coding-DNA position 98, A replaced by T.
Protein change: p.Asp33Val; replaces aspartic acid 33 with valine.
Molecular consequence: missense variant.
Genome position (GRCh38, 1-based): chr11:112,228,608, A>T. VCF-style: chr11-112228608-A-T. GRCh37 (hg19) VCF-style: chr11-112099331-A-T.
Other names: short protein forms D33V.
Identifiers: ClinVar variation 4537000 (VCV004537000.1).
Genomic context (GRCh38, chr11:112,228,608, plus strand): 5'-ATGTGATACTTGTGTCATGCTGACTTTTTTTTTTTTTTTTGGTCAGTAAATTTCTAAGTG[A>T]TGAAGAAAACTTGAAACTGTTTGGGAAATGCAACAATCCAAATGGCCATGGGCACAATTA-3'
Protein context (NP_000308.1, residues 23-43): SHRLYSKFLS[Asp33Val]EENLKLFGKC